The following is an entry in ClinVar:

NM_001040108.2(MLH3):c.3454C>G (p.Arg1152Gly)

Gene: MLH3 (mutL homolog 3; minus strand). Cytogenetic location: 14q24.3.
Variant type: single nucleotide variant.
Coding change: c.3454C>G on transcript NM_001040108.2 (MANE Select); coding-DNA position 3454, C replaced by G.
Protein change: p.Arg1152Gly; replaces arginine 1152 with glycine.
Molecular consequence: missense variant.
Genome position (GRCh38, 1-based): chr14:75,041,626, G>C on the plus strand (C>G on the coding strand, the complement: MLH3 is on the minus strand). VCF-style: chr14-75041626-G-C. GRCh37 (hg19) VCF-style: chr14-75508329-G-C.
Other names: c.3454C>G, p.Arg1152Gly (NM_014381.3); short protein forms R1152G.
Identifiers: ClinVar variation 1731584 (VCV001731584.2), dbSNP rs569011240, ClinGen allele CA263645823.

ClinVar aggregate classification (germline): Uncertain significance (1 of 4 stars; one submission).

Submission:

Ambry Genetics
Classification: Uncertain significance. Last evaluated: 2021-07-08. Review status: criteria provided, single submitter. Criteria: Ambry Variant Classification Scheme 2023. Collection method: clinical testing. Allele origin: germline.
Comment: The p.R1152G variant (also known as c.3454C>G), located in coding exon 3 of the MLH3 gene, results from a C to G substitution at nucleotide position 3454. The arginine at codon 1152 is replaced by glycine, an amino acid with dissimilar properties. This amino acid position is conserved. In addition, this alteration is predicted to be deleterious by in silico analysis. Since supporting evidence is limited at this time, the clinical significance of this alteration remains unclear.